The following is an entry in ClinVar:

ClinVar aggregate classification (germline): Likely benign (0 of 4 stars; one submission).

Conditions:
FOXC1-related disorder. Also called: FOXC1-related condition.

Allele frequency attached by ClinVar (database versions not stated): gnomAD exomes below 0.00001.

Submission:

PreventionGenetics, part of Exact Sciences
Classification: Likely benign for FOXC1-related condition. Last evaluated: 2019-02-22. Review status: no assertion criteria provided. Collection method: clinical testing. Allele origin: germline.
Comment: This variant is classified as likely benign based on ACMG/AMP sequence variant interpretation guidelines (Richards et al. 2015 PMID: 25741868, with internal and published modifications).

NM_001453.3(FOXC1):c.861T>C (p.Gly287=)

Gene: FOXC1 (forkhead box C1; plus strand). Cytogenetic location: 6p25.3.
Variant type: single nucleotide variant.
Coding change: c.861T>C on transcript NM_001453.3 (MANE Select); coding-DNA position 861, T replaced by C.
Protein change: p.Gly287=; no amino-acid change (glycine 287 retained).
Molecular consequence: synonymous variant.
Genome position (GRCh38, 1-based): chr6:1,611,306, T>C. VCF-style: chr6-1611306-T-C. GRCh37 (hg19) VCF-style: chr6-1611541-T-C.
Identifiers: ClinVar variation 3044944 (VCV003044944.2), dbSNP rs2113112842, ClinGen allele CA448393794.